The following is an entry in ClinVar:

ClinVar aggregate classification (germline): Uncertain significance (1 of 4 stars; one submission).

Allele frequency attached by ClinVar (database versions not stated): gnomAD exomes below 0.00001; TOPMed below 0.00001.
gnomAD v4.1: 7 of 1,611,162 alleles (0.00043%); highest among the groups gnomAD compares: Non-Finnish European, 0.000085%; no homozygotes.

Submission:

Ambry Genetics
Classification: Uncertain significance. Last evaluated: 2024-01-22. Review status: criteria provided, single submitter. Criteria: Ambry Variant Classification Scheme 2023. Collection method: clinical testing. Allele origin: germline.
Comment: The p.E85G variant (also known as c.254A>G), located in coding exon 1 of the MNDA gene, results from an A to G substitution at nucleotide position 254. The glutamic acid at codon 85 is replaced by glycine, an amino acid with similar properties. This amino acid position is conserved. In addition, this alteration is predicted to be tolerated by in silico analysis. Since supporting evidence is limited at this time, the clinical significance of this alteration remains unclear.

NM_002432.3(MNDA):c.254A>G (p.Glu85Gly)

Gene: MNDA (myeloid cell nuclear differentiation antigen; plus strand). Cytogenetic location: 1q23.1.
Variant type: single nucleotide variant.
Coding change: c.254A>G on transcript NM_002432.3 (MANE Select); coding-DNA position 254, A replaced by G.
Protein change: p.Glu85Gly; replaces glutamic acid 85 with glycine.
Molecular consequence: missense variant.
Genome position (GRCh38, 1-based): chr1:158,842,407, A>G. VCF-style: chr1-158842407-A-G. GRCh37 (hg19) VCF-style: chr1-158812197-A-G.
Other names: short protein forms E85G.
Identifiers: ClinVar variation 1792920 (VCV001792920.2), dbSNP rs1289639008, ClinGen allele CA343037132.